The following is an entry in ClinVar:

ClinVar aggregate classification (germline): Pathogenic (1 of 4 stars; one submission).

Conditions:
Chédiak-Higashi syndrome (CHS). Also called: Chediak-Higashi Syndrome. Identifiers: Orphanet 167, MedGen C0007965, MONDO:0008963, OMIM 214500.

Allele frequency attached by ClinVar (database versions not stated): gnomAD exomes below 0.00001.
gnomAD v4.1: 6 of 1,613,606 alleles (0.00037%); highest among the groups gnomAD compares: East Asian, 0.0022%; no homozygotes.

Submission:

Labcorp Genetics (formerly Invitae), Labcorp
Classification: Pathogenic for Chédiak-Higashi syndrome. Last evaluated: 2024-08-19. Review status: criteria provided, single submitter. Criteria: Invitae Variant Classification Sherloc (09022015). Collection method: clinical testing. Allele origin: germline.
Comment: This sequence change creates a premature translational stop signal (p.Arg988*) in the LYST gene. It is expected to result in an absent or disrupted protein product. Loss-of-function variants in LYST are known to be pathogenic (PMID: 9215679, 11857544). This variant is present in population databases (no rsID available, gnomAD 0.01%). This variant has not been reported in the literature in individuals affected with LYST-related conditions. ClinVar contains an entry for this variant (Variation ID: 1452518). For these reasons, this variant has been classified as Pathogenic.

Literature cited by the submitters: PubMed 9215679; PubMed 11857544.

NM_000081.4(LYST):c.2962C>T (p.Arg988Ter)

Gene: LYST (lysosomal trafficking regulator; minus strand). Cytogenetic location: 1q42.3.
Variant type: single nucleotide variant.
Coding change: c.2962C>T on transcript NM_000081.4 (MANE Select); coding-DNA position 2962, C replaced by T.
Protein change: p.Arg988Ter; replaces arginine 988 with a stop codon.
Molecular consequence: nonsense.
Genome position (GRCh38, 1-based): chr1:235,806,174, G>A on the plus strand (C>T on the coding strand, the complement: LYST is on the minus strand). VCF-style: chr1-235806174-G-A. GRCh37 (hg19) VCF-style: chr1-235969474-G-A.
Other names: c.2962C>T, p.Arg988Ter (NM_001301365.1); short protein forms R988*.
Identifiers: ClinVar variation 1452518 (VCV001452518.7), dbSNP rs1236600542, ClinGen allele CA344954476.